The following is an entry in ClinVar:

ClinVar aggregate classification (germline): Uncertain significance (1 of 4 stars; one submission).

Submission:

Labcorp Genetics (formerly Invitae), Labcorp
Classification: Uncertain significance. Last evaluated: 2020-03-06. Review status: criteria provided, single submitter. Criteria: Invitae Variant Classification Sherloc (09022015). Collection method: clinical testing. Allele origin: germline.
Comment: In summary, the available evidence is currently insufficient to determine the role of this variant in disease. Therefore, it has been classified as a Variant of Uncertain Significance. Algorithms developed to predict the effect of missense changes on protein structure and function (SIFT, PolyPhen-2, Align-GVGD) all suggest that this variant is likely to be tolerated, but these predictions have not been confirmed by published functional studies and their clinical significance is uncertain. This variant has not been reported in the literature in individuals with MTOR-related disease. This variant is not present in population databases (ExAC no frequency). This sequence change replaces glutamine with glutamic acid at codon 1807 of the MTOR protein (p.Gln1807Glu). The glutamine residue is moderately conserved and there is a small physicochemical difference between glutamine and glutamic acid.

NM_004958.4(MTOR):c.5419C>G (p.Gln1807Glu)

Gene: MTOR (mechanistic target of rapamycin kinase; minus strand). Cytogenetic location: 1p36.22.
Variant type: single nucleotide variant.
Coding change: c.5419C>G on transcript NM_004958.4 (MANE Select); coding-DNA position 5419, C replaced by G.
Protein change: p.Gln1807Glu; replaces glutamine 1807 with glutamic acid.
Molecular consequence: missense variant.
Genome position (GRCh38, 1-based): chr1:11,130,723, G>C on the plus strand (C>G on the coding strand, the complement: MTOR is on the minus strand). VCF-style: chr1-11130723-G-C. GRCh37 (hg19) VCF-style: chr1-11190780-G-C.
Other names: c.5419C>G (LRG_734t1); short protein forms Q1807E.
Identifiers: ClinVar variation 661990 (VCV000661990.8), dbSNP rs1570949146, ClinGen allele CA338398720.
Genomic context (GRCh38, chr1:11,130,723, plus strand): 5'-TGGTGATGTTGGCCCCGCTGGCATGACGCAGTTTCTTCTTCTCATCGCGGGCTTGGTTCT[G>C]ATGTTTGTAGTGTAGCACAGCTTCGAAGTTCATCACTGCCCACGCATGCCAGGCCTGGTT-3'
Protein context (NP_004949.1, residues 1797-1817): NFEAVLHYKH[Gln1807Glu]NQARDEKKKL